The following is an entry in ClinVar:

NM_020987.5(ANK3):c.554A>G (p.His185Arg)

Gene: ANK3 (ankyrin 3; minus strand). Cytogenetic location: 10q21.2.
Variant type: single nucleotide variant.
Coding change: c.554A>G on transcript NM_020987.5 (MANE Select); coding-DNA position 554, A replaced by G.
Protein change: p.His185Arg; replaces histidine 185 with arginine.
Molecular consequence: missense variant.
Genome position (GRCh38, 1-based): chr10:60,263,980, T>C on the plus strand (A>G on the coding strand, the complement: ANK3 is on the minus strand). VCF-style: chr10-60263980-T-C. GRCh37 (hg19) VCF-style: chr10-62023738-T-C.
Other names: c.536A>G, p.His179Arg (NM_001204403.2); c.503A>G, p.His168Arg (NM_001204404.2); c.554A>G, p.His185Arg (NM_001320874.2); short protein forms H168R, H179R, H185R.
Identifiers: ClinVar variation 4813592 (VCV004813592.1).

ClinVar aggregate classification (germline): Uncertain significance (1 of 4 stars; one submission).

Conditions:
Intellectual developmental disorder, autosomal recessive 37. Also called: Intellectual disability-hypotonia-spasticity-sleep disorder syndrome. Identifiers: Orphanet 356996, MedGen C3809672, MONDO:0014210, OMIM 615493.

Submission:

Mendelics
Classification: Uncertain significance for Intellectual developmental disorder, autosomal recessive 37. Last evaluated: 2026-03-05. Review status: criteria provided, single submitter. Criteria: ACMG Guidelines, 2015. Collection method: clinical testing. Allele origin: unknown.
Comment: The available evidence is insufficient to conclusively determine the role of this variant. Therefore, it is classified as a Variant of Uncertain Significance.